The following is an entry in ClinVar:

ClinVar aggregate classification (germline): Pathogenic (1 of 4 stars; one submission).

Submission:

Labcorp Genetics (formerly Invitae), Labcorp
Classification: Pathogenic. Last evaluated: 2024-10-24. Review status: criteria provided, single submitter. Criteria: Invitae Variant Classification Sherloc (09022015). Collection method: clinical testing. Allele origin: germline.
Comment: This sequence change creates a premature translational stop signal (p.Val160Cysfs*12) in the NT5C3A gene. It is expected to result in an absent or disrupted protein product. Loss-of-function variants in NT5C3A are known to be pathogenic (PMID: 12714505). This variant is not present in population databases (gnomAD no frequency). This variant has not been reported in the literature in individuals affected with NT5C3A-related conditions. ClinVar contains an entry for this variant (Variation ID: 1967665). For these reasons, this variant has been classified as Pathogenic.

Literature cited by the submitters: PubMed 12714505.

NM_001002010.5(NT5C3A):c.579del (p.Val194fs)

Gene: NT5C3A (5'-nucleotidase, cytosolic IIIA; minus strand). Cytogenetic location: 7p14.3.
Variant type: Deletion.
Coding change: c.579del on transcript NM_001002010.5 (MANE Select); coding-DNA position 579, one base deleted (C; older notation c.579delC).
Protein change: p.Val194fs; shifts the reading frame from valine 194.
Molecular consequence: frameshift variant.
Genome position (GRCh38, 1-based): chr7:33,017,553, G deleted on the plus strand (C on the coding strand, the reverse complement: NT5C3A is on the minus strand); the first of 4 consecutive G bases (chr7:33,017,553-33,017,556); deleting any one gives the same sequence. VCF-style (leftmost placement, unchanged base first): chr7-33017552-CG-C. GRCh37 (hg19) VCF-style: chr7-33057164-CG-C.
Other names: c.477del, p.Val160fs (NM_001002009.3, NM_016489.14); c.441del, p.Val148fs (NM_001166118.3, NM_001356996.3, NM_001374336.1 and 1 more transcripts); c.480del, p.Val161fs (NM_001374335.1); c.579del, p.Val194fs (NM_001374338.1); c.378del, p.Val127fs (NM_001374339.1); short protein forms V127fs, V148fs, V160fs, V161fs, V194fs.
Identifiers: ClinVar variation 1967665 (VCV001967665.5), dbSNP rs2534679858, ClinGen allele CA2580077051.